The following is an entry in ClinVar:

NM_000488.4(SERPINC1):c.133C>T (p.Arg45Trp)

Gene: SERPINC1 (serpin family C member 1; minus strand). Cytogenetic location: 1q25.1.
Variant type: single nucleotide variant.
Coding change: c.133C>T on transcript NM_000488.4 (MANE Select); coding-DNA position 133, C replaced by T.
Protein change: p.Arg45Trp; replaces arginine 45 with tryptophan.
Molecular consequence: missense variant. On other transcripts: 5 prime UTR variant (1).
Genome position (GRCh38, 1-based): chr1:173,914,828, G>A on the plus strand (C>T on the coding strand, the complement: SERPINC1 is on the minus strand). VCF-style: chr1-173914828-G-A. GRCh37 (hg19) VCF-style: chr1-173883966-G-A.
Other names: c.-12C>T (NM_001365052.2); c.133C>T, p.Arg45Trp (NM_001386302.1, NM_001386304.1, NM_001386305.1 and 1 more transcripts); c.214C>T, p.Arg72Trp (NM_001386303.1); short protein forms R45W, R72W.
Identifiers: ClinVar variation 1330272 (VCV001330272.4), dbSNP rs768704768, ClinGen allele CA1251463.

ClinVar aggregate classification (germline): Pathogenic/Likely pathogenic. Review status: criteria provided, multiple submitters, no conflicts (2 of 4 stars). 3 submissions from 3 submitters: Pathogenic (1); Likely pathogenic (1). 1 of the submissions does not count toward it. Last evaluated 2025-02-25.

Conditions:
Hereditary antithrombin deficiency (AT3D). Also called: Antithrombin III deficiency; Thrombophilia due to antithrombin III deficiency; Reduced antithrombin III activity; Antithrombin deficiency. Identifiers: Orphanet 82, MedGen C0272375, MONDO:0013144, OMIM 613118, HP:0001976.

Allele frequency attached by ClinVar (database versions not stated): gnomAD 0.00001; gnomAD exomes 0.00001; TOPMed 0.00001; ExAC 0.00002.
gnomAD v4.1: 10 of 1,614,096 alleles (0.00062%); highest among the groups gnomAD compares: Admixed American, 0.0033%; no homozygotes.

Submissions (3):

Labcorp Genetics (formerly Invitae), Labcorp
Classification: Pathogenic for Hereditary antithrombin deficiency. Last evaluated: 2025-02-25. Review status: criteria provided, single submitter. Criteria: Invitae Variant Classification Sherloc (09022015). Collection method: clinical testing. Allele origin: germline.
Comment: This sequence change replaces arginine, which is basic and polar, with tryptophan, which is neutral and slightly polar, at codon 45 of the SERPINC1 protein (p.Arg45Trp). This variant is present in population databases (rs768704768, gnomAD 0.009%). This missense change has been observed in individual(s) with clinical features of antithrombin deficiency (PMID: 22627591, 30721820, 34800304; internal data). ClinVar contains an entry for this variant (Variation ID: 1330272). Invitae Evidence Modeling of protein sequence and biophysical properties (such as structural, functional, and spatial information, amino acid conservation, physicochemical variation, residue mobility, and thermodynamic stability) indicates that this missense variant is expected to disrupt SERPINC1 protein function with a positive predictive value of 95%. For these reasons, this variant has been classified as Pathogenic.

MVZ Martinsried, Medicover Genetics
Classification: Likely pathogenic for Hereditary antithrombin deficiency. Last evaluated: 2021-03-10. Review status: criteria provided, single submitter. Criteria: ACGS Guidelines, 2020. Collection method: clinical testing. Allele origin: unknown. Affected: yes.

Zotz-Klimas Genetics Lab, MVZ Zotz Klimas
Classification: Uncertain significance for Hereditary antithrombin deficiency. Last evaluated: 2023-10-30. Review status: no assertion criteria provided. Collection method: clinical testing. Allele origin: germline. Affected: yes. Not counted in ClinVar's aggregate classification.

Literature cited by the submitters: PubMed 22627591 (cited by Labcorp Genetics (formerly Invitae), Labcorp); PubMed 30721820 (cited by Labcorp Genetics (formerly Invitae), Labcorp); PubMed 34800304 (cited by Labcorp Genetics (formerly Invitae), Labcorp).